The following is an entry in ClinVar:

NM_005548.3(KARS1):c.973G>A (p.Glu325Lys)

Gene: KARS1 (lysyl-tRNA synthetase 1; minus strand). Cytogenetic location: 16q23.1.
Variant type: single nucleotide variant.
Coding change: c.973G>A on transcript NM_005548.3 (MANE Select); coding-DNA position 973, G replaced by A.
Protein change: p.Glu325Lys; replaces glutamic acid 325 with lysine.
Molecular consequence: missense variant.
Genome position (GRCh38, 1-based): chr16:75,631,798, C>T on the plus strand (G>A on the coding strand, the complement: KARS1 is on the minus strand). VCF-style: chr16-75631798-C-T. GRCh37 (hg19) VCF-style: chr16-75665696-C-T.
Other names: c.1057G>A, p.Glu353Lys (NM_001130089.2); c.505G>A, p.Glu169Lys (NM_001378148.1); short protein forms E169K, E325K, E353K.
Identifiers: ClinVar variation 1804509 (VCV001804509.6), dbSNP rs1188999803, ClinGen allele CA396812211.

ClinVar aggregate classification (germline): Uncertain significance. Review status: criteria provided, multiple submitters, no conflicts (2 of 4 stars). 2 submissions from 2 submitters: Uncertain significance (2). Last evaluated 2024-02-24.

Allele frequency attached by ClinVar (database versions not stated): gnomAD exomes below 0.00001; TOPMed below 0.00001; gnomAD 0.00001.
gnomAD v4.1: 3 of 1,614,094 alleles (0.00019%); highest among the groups gnomAD compares: Non-Finnish European, 0.00025%; no homozygotes.

Submissions (2):

Labcorp Genetics (formerly Invitae), Labcorp
Classification: Uncertain significance. Last evaluated: 2024-02-24. Review status: criteria provided, single submitter. Criteria: Invitae Variant Classification Sherloc (09022015). Collection method: clinical testing. Allele origin: germline.
Comment: This sequence change replaces glutamic acid, which is acidic and polar, with lysine, which is basic and polar, at codon 353 of the KARS protein (p.Glu353Lys). This variant is present in population databases (no rsID available, gnomAD 0.0009%). This variant has not been reported in the literature in individuals affected with KARS-related conditions. ClinVar contains an entry for this variant (Variation ID: 1804509). Advanced modeling of protein sequence and biophysical properties (such as structural, functional, and spatial information, amino acid conservation, physicochemical variation, residue mobility, and thermodynamic stability) performed at Invitae indicates that this missense variant is expected to disrupt KARS protein function with a positive predictive value of 80%. In summary, the available evidence is currently insufficient to determine the role of this variant in disease. Therefore, it has been classified as a Variant of Uncertain Significance.

GeneDx
Classification: Uncertain significance. Last evaluated: 2022-06-16. Review status: criteria provided, single submitter. Criteria: GeneDx Variant Classification Process June 2021. Collection method: clinical testing. Allele origin: germline. Affected: yes.
Comment: Not observed at significant frequency in large population cohorts (gnomAD); In silico analysis supports that this missense variant has a deleterious effect on protein structure/function; Has not been previously published as pathogenic or benign to our knowledge